The following is an entry in ClinVar:

NM_002693.3(POLG):c.139C>G (p.Gln47Glu)

Genes: POLG (DNA polymerase gamma, catalytic subunit; minus strand), POLGARF (POLG alternative reading frame; minus strand). Cytogenetic location: 15q26.1.
Variant type: single nucleotide variant.
Coding change: c.139C>G on transcript NM_002693.3 (MANE Select); coding-DNA position 139, C replaced by G.
Protein change: p.Gln47Glu; replaces glutamine 47 with glutamic acid.
Molecular consequence: missense variant.
Genome position (GRCh38, 1-based): chr15:89,333,616, G>C on the plus strand (C>G on the coding strand, the complement: POLG is on the minus strand). VCF-style: chr15-89333616-G-C. GRCh37 (hg19) VCF-style: chr15-89876847-G-C.
Other names: c.139C>G, p.Gln47Glu (NM_001126131.2); short protein forms Q47E.
Identifiers: ClinVar variation 2785241 (VCV002785241.3), dbSNP rs1332797348, ClinGen allele CA393774374.

ClinVar aggregate classification (germline): Uncertain significance (1 of 4 stars; one submission).

Conditions:
Progressive sclerosing poliodystrophy (MTDPS4A). Also called: ALPERS PROGRESSIVE INFANTILE POLIODYSTROPHY; NEURONAL DEGENERATION OF CHILDHOOD WITH LIVER DISEASE, PROGRESSIVE; Alpers Syndrome; ALPERS DIFFUSE DEGENERATION OF CEREBRAL GRAY MATTER WITH HEPATIC CIRRHOSIS; Alpers-Huttenlocher Syndrome; Mitochondrial DNA Depletion Syndrome 4A. Identifiers: Orphanet 726, MedGen C0205710, MONDO:0008758, OMIM 203700.

Submission:

Labcorp Genetics (formerly Invitae), Labcorp
Classification: Uncertain significance for Progressive sclerosing poliodystrophy. Last evaluated: 2024-01-19. Review status: criteria provided, single submitter. Criteria: Invitae Variant Classification Sherloc (09022015). Collection method: clinical testing. Allele origin: germline.
Comment: This sequence change replaces glutamine, which is neutral and polar, with glutamic acid, which is acidic and polar, at codon 47 of the POLG protein (p.Gln47Glu). This variant is not present in population databases (gnomAD no frequency). This variant has not been reported in the literature in individuals affected with POLG-related conditions. Advanced modeling of protein sequence and biophysical properties (such as structural, functional, and spatial information, amino acid conservation, physicochemical variation, residue mobility, and thermodynamic stability) performed at Invitae indicates that this missense variant is not expected to disrupt POLG protein function with a negative predictive value of 95%. In summary, the available evidence is currently insufficient to determine the role of this variant in disease. Therefore, it has been classified as a Variant of Uncertain Significance.